The following is an entry in ClinVar:

NM_031935.3(HMCN1):c.1573G>A (p.Val525Met)

Gene: HMCN1 (hemicentin 1; plus strand). Cytogenetic location: 1q31.1.
Variant type: single nucleotide variant.
Coding change: c.1573G>A on transcript NM_031935.3 (MANE Select); coding-DNA position 1573, G replaced by A.
Protein change: p.Val525Met; replaces valine 525 with methionine.
Molecular consequence: missense variant.
Genome position (GRCh38, 1-based): chr1:185,933,569, G>A. VCF-style: chr1-185933569-G-A. GRCh37 (hg19) VCF-style: chr1-185902701-G-A.
Other names: short protein forms V525M.
Identifiers: ClinVar variation 3724068 (VCV003724068.2).
Genomic context (GRCh38, chr1:185,933,569, plus strand): 5'-CTTTTAGGTCTCTTGATTTGAATTTTTTGATTTCACACAGAGCCCCCTCCGGTCATCCAA[G>A]TGCCTAACAATGTTACAGTCACTCCTGGAGAGAGAGCAGTTTTAACATGTCTCATCATCA-3'
Protein context (NP_114141.2, residues 515-535): DVSEPPPVIQ[Val525Met]PNNVTVTPGE

ClinVar aggregate classification (germline): Uncertain significance (1 of 4 stars; one submission).

Submission:

Labcorp Genetics (formerly Invitae), Labcorp
Classification: Uncertain significance. Last evaluated: 2024-10-29. Review status: criteria provided, single submitter. Criteria: Invitae Variant Classification Sherloc (09022015). Collection method: clinical testing. Allele origin: germline.
Comment: This sequence change replaces valine, which is neutral and non-polar, with methionine, which is neutral and non-polar, at codon 525 of the HMCN1 protein (p.Val525Met). This variant is not present in population databases (gnomAD no frequency). This variant has not been reported in the literature in individuals affected with HMCN1-related conditions. An algorithm developed to predict the effect of missense changes on protein structure and function (PolyPhen-2) suggests that this variant is likely to be disruptive. In summary, the available evidence is currently insufficient to determine the role of this variant in disease. Therefore, it has been classified as a Variant of Uncertain Significance.